The following is an entry in ClinVar:

NM_000551.4(VHL):c.575del (p.Pro192fs)

Genes: VHL (von Hippel-Lindau tumor suppressor; plus strand), LOC107303340 (3p25 von Hippel-Lindau tumor suppressor, E3 ubiquitin protein ligase Alu-mediated recombination region; plus strand). Cytogenetic location: 3p25.3.
Variant type: Deletion.
Coding change: c.575del on transcript NM_000551.4 (MANE Select); coding-DNA position 575, one base deleted (C; older notation c.575delC).
Protein change: p.Pro192fs; shifts the reading frame from proline 192.
Molecular consequence: frameshift variant. On other transcripts: 3 prime UTR variant (1).
Genome position (GRCh38, 1-based): chr3:10,149,898, C deleted; the last of 3 consecutive C bases (chr3:10,149,896-10,149,898); deleting any one gives the same sequence. VCF-style (leftmost placement, unchanged base first): chr3-10149895-AC-A. GRCh37 (hg19) VCF-style: chr3-10191579-AC-A.
Other names: c.*129del (NM_001354723.2); c.452del, p.Pro151fs (NM_198156.3); short protein forms P151fs, P192fs.
Identifiers: ClinVar variation 1698896 (VCV001698896.4), dbSNP rs2125130735, ClinGen allele CA432423729.

ClinVar aggregate classification (germline): Pathogenic. Review status: criteria provided, multiple submitters, no conflicts (2 of 4 stars). 2 submissions from 2 submitters: Pathogenic (2). Last evaluated 2025-05-30.

Conditions:
Hereditary cancer-predisposing syndrome. Also called: Tumor predisposition; Hereditary neoplastic syndrome; Neoplastic Syndromes, Hereditary; Hereditary Cancer Syndrome. Identifiers: Orphanet 140162, MedGen C0027672, MeSH D009386, MONDO:0015356.
Von Hippel-Lindau syndrome (VHLS). Also called: von Hippel–Lindau syndrome; Von Hippel-Lindau; VHL syndrome. Identifiers: Orphanet 892, MedGen C0019562, MONDO:0008667, OMIM 193300. Disease mechanism: loss of function.

Submissions (2):

Ambry Genetics
Classification: Pathogenic for Hereditary cancer-predisposing syndrome. Last evaluated: 2025-05-30. Review status: criteria provided, single submitter. Criteria: Ambry Variant Classification Scheme 2023. Collection method: clinical testing. Allele origin: germline.
Comment: The c.575delC pathogenic mutation, located in coding exon 3 of the VHL gene, results from a deletion of one nucleotide at nucleotide position 575, causing a translational frameshift with a predicted alternate stop codon (p.P192Qfs*10). This alteration occurs at the 3' terminus of theVHL gene, is not expected to trigger nonsense-mediated mRNA decay, and impacts the last 10% of the protein. However, premature stop codons are typically deleterious in nature and the impacted region is critical for protein function and and a significant portion of the protein is affected (Ambry internal data). This variant is considered to be rare based on population cohorts in the Genome Aggregation Database (gnomAD). Based on the supporting evidence, this variant is interpreted as a disease-causing mutation.

Genetics and Molecular Pathology, SA Pathology
Classification: Pathogenic for Von Hippel-Lindau syndrome. Last evaluated: 2021-04-27. Review status: criteria provided, single submitter. Criteria: ACMG Guidelines, 2015. Collection method: clinical testing. Allele origin: germline. Inheritance: Autosomal dominant inheritance. Affected: no.